The following is an entry in ClinVar:

ClinVar aggregate classification (germline): Pathogenic (1 of 4 stars; one submission).

Conditions:
Hereditary diffuse gastric adenocarcinoma (HDGC). Also called: DIFFUSE GASTRIC AND LOBULAR BREAST CANCER SYNDROME. Identifiers: Orphanet 26106, MedGen C1708349, MONDO:0007648, OMIM 137215.

Submission:

Labcorp Genetics (formerly Invitae), Labcorp
Classification: Pathogenic for Hereditary diffuse gastric adenocarcinoma. Last evaluated: 2023-05-15. Review status: criteria provided, single submitter. Criteria: Invitae Variant Classification Sherloc (09022015). Collection method: clinical testing. Allele origin: germline.
Comment: For these reasons, this variant has been classified as Pathogenic. ClinVar contains an entry for this variant (Variation ID: 2024490). This variant has not been reported in the literature in individuals affected with CDH1-related conditions. This variant is not present in population databases (gnomAD no frequency). This sequence change creates a premature translational stop signal (p.Val281Trpfs*12) in the CDH1 gene. It is expected to result in an absent or disrupted protein product. Loss-of-function variants in CDH1 are known to be pathogenic (PMID: 15235021, 20373070).

Literature cited by the submitters: PubMed 15235021; PubMed 20373070.

NM_004360.5(CDH1):c.841_844del (p.Val281fs)

Gene: CDH1 (cadherin 1; plus strand). Cytogenetic location: 16q22.1.
Variant type: Deletion.
Coding change: c.841_844del on transcript NM_004360.5 (MANE Select); coding-DNA positions 841 to 844, 4 bases deleted (GTGA; older notation c.841_844delGTGA).
Protein change: p.Val281fs; shifts the reading frame from valine 281.
Molecular consequence: frameshift variant. On other transcripts: 5 prime UTR variant (2).
Genome position (GRCh38, 1-based): chr16:68,811,692-68,811,695, GTGA deleted. VCF-style (leftmost placement, unchanged base first): chr16-68811691-TGTGA-T. GRCh37 (hg19) VCF-style: chr16-68845594-TGTGA-T.
Other names: c.841_844del, p.Val281fs (NM_001317184.2); c.-775_-772del (NM_001317185.2); c.-979_-976del (NM_001317186.2); short protein forms V281fs.
Identifiers: ClinVar variation 2024490 (VCV002024490.4), dbSNP rs2543922022, ClinGen allele CA2580091835.